The following is an entry in ClinVar:

ClinVar aggregate classification (germline): Uncertain significance (1 of 4 stars; one submission).

Conditions:
Holoprosencephaly 3 (HPE3). Identifiers: Orphanet 2162, MedGen C1840529, MONDO:0007733, OMIM 142945.

Submission:

Labcorp Genetics (formerly Invitae), Labcorp
Classification: Uncertain significance for Holoprosencephaly 3. Last evaluated: 2024-02-14. Review status: criteria provided, single submitter. Criteria: Invitae Variant Classification Sherloc (09022015). Collection method: clinical testing. Allele origin: germline.
Comment: This variant occurs in a non-coding region of the SHH gene. It does not change the encoded amino acid sequence of the SHH protein. This variant is not present in population databases (gnomAD no frequency). This variant has not been reported in the literature in individuals affected with SHH-related conditions. Experimental studies and prediction algorithms are not available or were not evaluated, and the functional significance of this variant is currently unknown. In summary, the available evidence is currently insufficient to determine the role of this variant in disease. Therefore, it has been classified as a Variant of Uncertain Significance.

NC_000007.14:g.156763927del

Genes: LMBR1 (limb development membrane protein 1; minus strand), SHH (sonic hedgehog signaling molecule; minus strand). Cytogenetic location: 7q36.3.
Variant type: Deletion.
Molecular consequence: intron variant (on NM_022458.4).
Genome position: GRCh38 VCF-style: chr7-156763920-GA-G. GRCh37 (hg19) VCF-style: chr7-156556614-GA-G.
Other names: c.424-126del (NM_001363410.2, NM_022458.4, NM_001363409.2 and 1 more transcripts); c.-33-126del (NM_001350958.2, NM_001350956.2, NM_001350955.2 and 1 more transcripts); c.55-126del (NM_001350957.2, NM_001363411.2); c.361-126del (NM_001363412.2); c.145-126del (NM_001350954.2).
Identifiers: ClinVar variation 3674600 (VCV003674600.2).